The following is an entry in ClinVar:

NM_003079.5(SMARCE1):c.244G>A (p.Asp82Asn)

Gene: SMARCE1 (SWI/SNF related BAF chromatin remodeling complex subunit E1; minus strand). Cytogenetic location: 17q21.2.
Variant type: single nucleotide variant.
Coding change: c.244G>A on transcript NM_003079.5 (MANE Select); coding-DNA position 244, G replaced by A.
Protein change: p.Asp82Asn; replaces aspartic acid 82 with asparagine.
Molecular consequence: missense variant.
Genome position (GRCh38, 1-based): chr17:40,636,520, C>T on the plus strand (G>A on the coding strand, the complement: SMARCE1 is on the minus strand). VCF-style: chr17-40636520-C-T. GRCh37 (hg19) VCF-style: chr17-38792772-C-T.
Other names: short protein forms D82N.
Identifiers: ClinVar variation 4795206 (VCV004795206.1).

ClinVar aggregate classification (germline): Uncertain significance (1 of 4 stars; one submission).

Conditions:
Coffin-Siris syndrome 5 (CSS5). Identifiers: Orphanet 1465, MedGen C4310788, MONDO:0014838, OMIM 616938.

Submission:

Laboratorio de Biologia Molecular/Medicina Genomica - IFF/Fiocruz, Instituto Fernandes Figueira, Fundacao Oswaldo Cruz
Classification: Uncertain significance for Coffin-Siris syndrome 5. Last evaluated: 2025-09-02. Review status: criteria provided, single submitter. Criteria: ACMG Guidelines, 2015. Collection method: clinical testing. Allele origin: germline. Affected: yes. Observed: 1 variant allele.
Comment: Variant: c.244G>A (p.Asp82Asn) in exon 6 of the SMARCE1 gene. Protein effect: Missense substitution at a highly conserved residue within a well-established functional region where pathogenic variants are frequently reported. In silico tools: Predict a deleterious impact. Population database (gnomAD): Absent. ACMG/AMP criteria applied: PM1, PM2_Supporting.